The following is an entry in ClinVar:

ClinVar aggregate classification (germline): Uncertain significance (1 of 4 stars; one submission).

Conditions:
ATR-related disorder. Also called: ATR-related condition.

gnomAD v4.1: 2 of 1,614,008 alleles (0.00012%); highest among the groups gnomAD compares: Non-Finnish European, 0.00017%; no homozygotes.

Submission:

PreventionGenetics, part of Exact Sciences
Classification: Uncertain significance for ATR-related condition. Last evaluated: 2025-06-17. Review status: criteria provided, single submitter. Criteria: ACMG Guidelines, 2015. Collection method: clinical testing. Allele origin: germline.
Comment: The ATR c.7357A>G variant is predicted to result in the amino acid substitution p.Ser2453Gly. To our knowledge, this variant has not been reported in the literature or in a large population database (gnomAD), indicating this variant is rare. At this time, the clinical significance of this variant is uncertain due to the absence of conclusive functional and genetic evidence.

NM_001184.4(ATR):c.7357A>G (p.Ser2453Gly)

Gene: ATR (ATR checkpoint kinase; minus strand). Cytogenetic location: 3q23.
Variant type: single nucleotide variant.
Coding change: c.7357A>G on transcript NM_001184.4 (MANE Select); coding-DNA position 7357, A replaced by G.
Protein change: p.Ser2453Gly; replaces serine 2453 with glycine.
Molecular consequence: missense variant.
Genome position (GRCh38, 1-based): chr3:142,459,104, T>C on the plus strand (A>G on the coding strand, the complement: ATR is on the minus strand). VCF-style: chr3-142459104-T-C. GRCh37 (hg19) VCF-style: chr3-142177946-T-C.
Other names: c.7165A>G, p.Ser2389Gly (NM_001354579.2); short protein forms S2389G, S2453G.
Identifiers: ClinVar variation 4997699 (VCV004997699.1).